The following is an entry in ClinVar:

ClinVar aggregate classification (germline): Uncertain significance (1 of 4 stars; one submission).

gnomAD v4.1: 1 of 1,613,860 alleles (0.000062%); highest among the groups gnomAD compares: Non-Finnish European, 0.000085%; no homozygotes.

Submission:

Labcorp Genetics (formerly Invitae), Labcorp
Classification: Uncertain significance. Last evaluated: 2024-12-03. Review status: criteria provided, single submitter. Criteria: Invitae Variant Classification Sherloc (09022015). Collection method: clinical testing. Allele origin: germline.
Comment: This sequence change replaces isoleucine, which is neutral and non-polar, with serine, which is neutral and polar, at codon 158 of the MYH3 protein (p.Ile158Ser). This variant is present in population databases (rs768265932, gnomAD 0.0009%). This variant has not been reported in the literature in individuals affected with MYH3-related conditions. Invitae Evidence Modeling of protein sequence and biophysical properties (such as structural, functional, and spatial information, amino acid conservation, physicochemical variation, residue mobility, and thermodynamic stability) has been performed for this missense variant. However, the output from this modeling did not meet the statistical confidence thresholds required to predict the impact of this variant on MYH3 protein function. In summary, the available evidence is currently insufficient to determine the role of this variant in disease. Therefore, it has been classified as a Variant of Uncertain Significance.

NM_002470.4(MYH3):c.473T>G (p.Ile158Ser)

Gene: MYH3 (myosin heavy chain 3; minus strand). Cytogenetic location: 17p13.1.
Variant type: single nucleotide variant.
Coding change: c.473T>G on transcript NM_002470.4 (MANE Select); coding-DNA position 473, T replaced by G.
Protein change: p.Ile158Ser; replaces isoleucine 158 with serine.
Molecular consequence: missense variant.
Genome position (GRCh38, 1-based): chr17:10,651,544, A>C on the plus strand (T>G on the coding strand, the complement: MYH3 is on the minus strand). VCF-style: chr17-10651544-A-C. GRCh37 (hg19) VCF-style: chr17-10554861-A-C.
Other names: short protein forms I158S.
Identifiers: ClinVar variation 3699667 (VCV003699667.2).